The following is an entry in ClinVar:

ClinVar aggregate classification (germline): Likely benign. Review status: criteria provided, single submitter (1 of 4 stars). 2 submissions from 2 submitters: Likely benign (1). 1 of the submissions does not count toward it. Last evaluated 2024-12-07.

Conditions:
GP9-related disorder. Also called: GP9-related condition.

Allele frequency attached by ClinVar (database versions not stated): gnomAD 0.00001 and 0.00002; gnomAD exomes 0.00001 and 0.00002; TOPMed 0.00002; ExAC 0.00004.
gnomAD v4.1: 28 of 1,566,264 alleles (0.0018%); highest among the groups gnomAD compares: South Asian, 0.0046%; no homozygotes.

Submissions (2):

Labcorp Genetics (formerly Invitae), Labcorp
Classification: Likely benign. Last evaluated: 2024-12-07. Review status: criteria provided, single submitter. Criteria: Invitae Variant Classification Sherloc (09022015). Collection method: clinical testing. Allele origin: germline.

PreventionGenetics, part of Exact Sciences
Classification: Likely benign for GP9-related condition. Last evaluated: 2019-03-28. Review status: no assertion criteria provided. Collection method: clinical testing. Allele origin: germline. Not counted in ClinVar's aggregate classification.
Comment: This variant is classified as likely benign based on ACMG/AMP sequence variant interpretation guidelines (Richards et al. 2015 PMID: 25741868, with internal and published modifications).

NM_000174.5(GP9):c.465C>T (p.Val155=)

Gene: GP9 (glycoprotein IX platelet; plus strand). Cytogenetic location: 3q21.3.
Variant type: single nucleotide variant.
Coding change: c.465C>T on transcript NM_000174.5 (MANE Select); coding-DNA position 465, C replaced by T.
Protein change: p.Val155=; no amino-acid change (valine 155 retained).
Molecular consequence: synonymous variant.
Genome position (GRCh38, 1-based): chr3:129,062,204, C>T. VCF-style: chr3-129062204-C-T. GRCh37 (hg19) VCF-style: chr3-128781047-C-T.
Other names: c.465C>T (NM_000174.4).
Identifiers: ClinVar variation 1654885 (VCV001654885.10), dbSNP rs751989054, ClinGen allele CA2602723.